The following is an entry in ClinVar:

ClinVar aggregate classification (germline): Pathogenic (1 of 4 stars; one submission).

Conditions:
Pyruvate carboxylase deficiency. Also called: ATAXIA WITH LACTIC ACIDOSIS II; LEIGH NECROTIZING ENCEPHALOPATHY DUE TO PYRUVATE CARBOXYLASE DEFICIENCY; PC DEFICIENCY; LEIGH SYNDROME DUE TO PYRUVATE CARBOXYLASE DEFICIENCY; Pyruvate Carboxylase Deficiency Disease. Identifiers: Orphanet 3008, MedGen C0034341, MONDO:0009949, OMIM 266150.

Submission:

Labcorp Genetics (formerly Invitae), Labcorp
Classification: Pathogenic for Pyruvate carboxylase deficiency. Last evaluated: 2021-08-03. Review status: criteria provided, single submitter. Criteria: Invitae Variant Classification Sherloc (09022015). Collection method: clinical testing. Allele origin: germline.
Comment: For these reasons, this variant has been classified as Pathogenic. Algorithms developed to predict the effect of sequence changes on RNA splicing suggest that this variant may disrupt the consensus splice site. Studies have shown that disruption of this splice site alters PC gene expression (PMID: 18676167). Disruption of this splice site has been observed in individual(s) with pyruvate carboxylase deficiency (PMID: 18676167). This variant is not present in population databases (ExAC no frequency). This sequence change affects a donor splice site in intron 4 of the PC gene. It is expected to disrupt RNA splicing. Variants that disrupt the donor or acceptor splice site typically lead to a loss of protein function (PMID: 16199547), and loss-of-function variants in PC are known to be pathogenic (PMID: 12112657, 19306334).

Literature cited by the submitters: PubMed 18676167; PubMed 16199547; PubMed 12112657; PubMed 19306334.

NM_001040716.2(PC):c.321+1G>T

Gene: PC (pyruvate carboxylase; minus strand). Cytogenetic location: 11q13.2.
Variant type: single nucleotide variant.
Coding change: c.321+1G>T on transcript NM_001040716.2 (MANE Select); the canonical splice donor site of the intron after coding-DNA position 321, G replaced by T.
Molecular consequence: splice donor variant.
Genome position (GRCh38, 1-based): chr11:66,871,686, C>A on the plus strand (G>T on the coding strand, the complement: PC is on the minus strand). VCF-style: chr11-66871686-C-A. GRCh37 (hg19) VCF-style: chr11-66639157-C-A.
Other names: c.321+1G>T (NM_000920.4, NM_022172.3).
Identifiers: ClinVar variation 1457904 (VCV001457904.6), dbSNP rs2135941937, ClinGen allele CA381502701.
Genomic context (GRCh38, chr11:66,871,686, plus strand): 5'-CCGCGGCAACTAAGACTCCCTGGTCCCTGCTGTCCAGGCCCAGCCAGGCCACTGGGCTCA[C>A]CTTGGCCACCTTGATGATGTCTGGGATGTGCAGGTAGGCCTGCACGGGGGCCAGGCCGCG-3'